The following is an entry in ClinVar:

ClinVar aggregate classification (germline): Pathogenic (1 of 4 stars; one submission).

Conditions:
Recessive dystrophic epidermolysis bullosa (RDEB). Also called: DYSTROPHIC EPIDERMOLYSIS BULLOSA, AUTOSOMAL RECESSIVE; EPIDERMOLYSIS BULLOSA DYSTROPHICA, HALLOPEAU-SIEMENS TYPE; Hallopeau-Siemens Disease; severe generalized recessive dystrophic epidermolysis bullosa; EPIDERMOLYSIS BULLOSA DYSTROPHICA, GENERALIZED SEVERE, AUTOSOMAL RECESSIVE; Epidermolysis Bullosa Distrophica Autosomal Recessive (RDEB). Identifiers: Orphanet 79408, Orphanet 79409, MedGen C0079474, MONDO:0009179, OMIM 226600.

Submission:

Myriad Genetics, Inc.
Classification: Pathogenic for Recessive dystrophic epidermolysis bullosa. Last evaluated: 2026-07-09. Review status: criteria provided, single submitter. Criteria: Myriad Autosomal Dominant, Autosomal Recessive and X-Linked Classification Criteria (2023). Collection method: clinical testing. Allele origin: unknown.
Comment: NM_000094.3(COL7A1):c.7363G>T(G2455*) is expected to be pathogenic in the context of dystrophic epidermolysis bullosa. This variant is predicted to lead to an abnormal or absent protein product due to the creation of a premature termination codon in COL7A1, a gene where loss-of-function variants are known to be pathogenic. Please note: this variant was assessed in the context of healthy population screening.

NM_000094.4(COL7A1):c.7363G>T (p.Gly2455Ter)

Gene: COL7A1 (collagen type VII alpha 1 chain; minus strand). Cytogenetic location: 3p21.31.
Variant type: single nucleotide variant.
Coding change: c.7363G>T on transcript NM_000094.4 (MANE Select); coding-DNA position 7363, G replaced by T.
Protein change: p.Gly2455Ter; replaces glycine 2455 with a stop codon.
Molecular consequence: nonsense.
Genome position (GRCh38, 1-based): chr3:48,570,482, C>A on the plus strand (G>T on the coding strand, the complement: COL7A1 is on the minus strand). VCF-style: chr3-48570482-C-A. GRCh37 (hg19) VCF-style: chr3-48607915-C-A.
Other names: short protein forms G2455*.
Identifiers: ClinVar variation 5016111 (VCV005016111.1).